The following is an entry in ClinVar:

ClinVar aggregate classification (germline): Uncertain significance (1 of 4 stars; one submission).

Submission:

Women's Health and Genetics/Laboratory Corporation of America, LabCorp
Classification: Uncertain significance. Last evaluated: 2025-03-17. Review status: criteria provided, single submitter. Criteria: LabCorp Variant Classification Summary - May 2015. Collection method: clinical testing. Allele origin: germline.
Comment: Variant summary: C1R c.277G>A (p.Gly93Ser) results in a non-conservative amino acid change in the encoded protein sequence. Three of four in-silico tools predict a benign effect of the variant on protein function. The variant was absent in 196396 control chromosomes. The available data on variant occurrences in the general population are insufficient to allow any conclusion about variant significance. To our knowledge, no occurrence of c.277G>A in individuals affected with Ehlers-Danlos syndrome, periodontal type 1 and no experimental evidence demonstrating its impact on protein function have been reported. No submitters have cited clinical-significance assessments for this variant to ClinVar. Based on the evidence outlined above, the variant was classified as uncertain significance.

NM_001733.7(C1R):c.277G>A (p.Gly93Ser)

Gene: C1R (complement C1r; minus strand). Cytogenetic location: 12p13.31.
Variant type: single nucleotide variant.
Coding change: c.277G>A on transcript NM_001733.7 (MANE Select); coding-DNA position 277, G replaced by A.
Protein change: p.Gly93Ser; replaces glycine 93 with serine.
Molecular consequence: missense variant.
Genome position (GRCh38, 1-based): chr12:7,090,203, C>T on the plus strand (G>A on the coding strand, the complement: C1R is on the minus strand). VCF-style: chr12-7090203-C-T. GRCh37 (hg19) VCF-style: chr12-7242799-C-T.
Other names: c.319G>A, p.Gly107Ser (NM_001354346.2); short protein forms G107S, G93S.
Identifiers: ClinVar variation 3895601 (VCV003895601.1).